The following is an entry in ClinVar:

ClinVar aggregate classification (germline): Uncertain significance (1 of 4 stars; one submission).

Conditions:
Hereditary cancer-predisposing syndrome. Also called: Neoplastic Syndromes, Hereditary; Tumor predisposition; Hereditary neoplastic syndrome; Hereditary Cancer Syndrome. Identifiers: Orphanet 140162, MedGen C0027672, MeSH D009386, MONDO:0015356.

Allele frequency attached by ClinVar (database versions not stated): gnomAD exomes below 0.00001.

Submission:

Ambry Genetics
Classification: Uncertain significance for Hereditary cancer-predisposing syndrome. Last evaluated: 2024-03-13. Review status: criteria provided, single submitter. Criteria: Ambry Variant Classification Scheme 2023. Collection method: clinical testing. Allele origin: germline.
Comment: The p.P2193S variant (also known as c.6577C>T), located in coding exon 47 of the POLE gene, results from a C to T substitution at nucleotide position 6577. The proline at codon 2193 is replaced by serine, an amino acid with similar properties. This amino acid position is conserved. In addition, this alteration is predicted to be tolerated by in silico analysis. Based on the available evidence, the clinical significance of this alteration remains unclear.

NM_006231.4(POLE):c.6577C>T (p.Pro2193Ser)

Gene: POLE (DNA polymerase epsilon, catalytic subunit; minus strand). Cytogenetic location: 12q24.33.
Variant type: single nucleotide variant.
Coding change: c.6577C>T on transcript NM_006231.4 (MANE Select); coding-DNA position 6577, C replaced by T.
Protein change: p.Pro2193Ser; replaces proline 2193 with serine.
Molecular consequence: missense variant.
Genome position (GRCh38, 1-based): chr12:132,625,725, G>A on the plus strand (C>T on the coding strand, the complement: POLE is on the minus strand). VCF-style: chr12-132625725-G-A. GRCh37 (hg19) VCF-style: chr12-133202311-G-A.
Other names: short protein forms P2193S.
Identifiers: ClinVar variation 3225503 (VCV003225503.1), dbSNP rs2541837572, ClinGen allele CA387366750.